The following is an entry in ClinVar:

NM_173543.3(DZIP1L):c.2246C>A (p.Pro749Gln)

Gene: DZIP1L (DAZ interacting zinc finger protein 1 like; minus strand). Cytogenetic location: 3q22.3.
Variant type: single nucleotide variant.
Coding change: c.2246C>A on transcript NM_173543.3 (MANE Select); coding-DNA position 2246, C replaced by A.
Protein change: p.Pro749Gln; replaces proline 749 with glutamine.
Molecular consequence: missense variant.
Genome position (GRCh38, 1-based): chr3:138,062,874, G>T on the plus strand (C>A on the coding strand, the complement: DZIP1L is on the minus strand). VCF-style: chr3-138062874-G-T. GRCh37 (hg19) VCF-style: chr3-137781716-G-T.
Other names: short protein forms P749Q.
Identifiers: ClinVar variation 1462490 (VCV001462490.8), dbSNP rs774927015, ClinGen allele CA2634603.

ClinVar aggregate classification (germline): Uncertain significance (1 of 4 stars; one submission).

Allele frequency attached by ClinVar (database versions not stated): gnomAD exomes below 0.00001; TOPMed below 0.00001; ExAC 0.00001.
gnomAD v4.1: 1 of 1,614,154 alleles (0.000062%); highest among the groups gnomAD compares: Admixed American, 0.0017%; no homozygotes.

Submission:

Labcorp Genetics (formerly Invitae), Labcorp
Classification: Uncertain significance. Last evaluated: 2021-03-19. Review status: criteria provided, single submitter. Criteria: Invitae Variant Classification Sherloc (09022015). Collection method: clinical testing. Allele origin: germline.
Comment: In summary, the available evidence is currently insufficient to determine the role of this variant in disease. Therefore, it has been classified as a Variant of Uncertain Significance. Algorithms developed to predict the effect of missense changes on protein structure and function output the following: SIFT: "Tolerated"; PolyPhen-2: "Benign"; Align-GVGD: "Class C0". The glutamine amino acid residue is found in multiple mammalian species, suggesting that this missense change does not adversely affect protein function. These predictions have not been confirmed by published functional studies and their clinical significance is uncertain. This variant has not been reported in the literature in individuals with DZIP1L-related conditions. This variant is present in population databases (rs774927015, ExAC 0.009%). This sequence change replaces proline with glutamine at codon 749 of the DZIP1L protein (p.Pro749Gln). The proline residue is moderately conserved and there is a moderate physicochemical difference between proline and glutamine.